The following is an entry in ClinVar:

ClinVar aggregate classification (germline): Uncertain significance (1 of 4 stars; one submission).

Submission:

Women's Health and Genetics/Laboratory Corporation of America, LabCorp
Classification: Uncertain significance. Last evaluated: 2025-03-21. Review status: criteria provided, single submitter. Criteria: LabCorp Variant Classification Summary - May 2015. Collection method: clinical testing. Allele origin: germline.
Comment: Variant summary: SYK c.868A>G (p.Ile290Val) results in a conservative amino acid change in the encoded protein sequence. Five of five in-silico tools predict a benign effect of the variant on protein function. The variant was absent in 251474 control chromosomes. The available data on variant occurrences in the general population are insufficient to allow any conclusion about variant significance. To our knowledge, no occurrence of c.868A>G in individuals affected with Immunodeficiency 82 with systemic inflammation and no experimental evidence demonstrating its impact on protein function have been reported. No submitters have cited clinical-significance assessments for this variant to ClinVar. Based on the evidence outlined above, the variant was classified as uncertain significance.

NM_003177.7(SYK):c.868A>G (p.Ile290Val)

Gene: SYK (spleen associated tyrosine kinase; plus strand). Cytogenetic location: 9q22.2.
Variant type: single nucleotide variant.
Coding change: c.868A>G on transcript NM_003177.7 (MANE Select); coding-DNA position 868, A replaced by G.
Protein change: p.Ile290Val; replaces isoleucine 290 with valine.
Molecular consequence: missense variant. On other transcripts: intron variant (2).
Genome position (GRCh38, 1-based): chr9:90,867,152, A>G. VCF-style: chr9-90867152-A-G. GRCh37 (hg19) VCF-style: chr9-93629434-A-G.
Other names: c.868A>G, p.Ile290Val (NM_001174167.3); c.846+2055A>G (NM_001174168.3, NM_001135052.4); short protein forms I290V.
Identifiers: ClinVar variation 3896037 (VCV003896037.1).